The following is an entry in ClinVar:

ClinVar aggregate classification (germline): Uncertain significance (1 of 4 stars; one submission).

Conditions:
Mevalonic aciduria (MEVA). Identifiers: Orphanet 29, MedGen C1959626, MONDO:0012481, OMIM 610377.
Hyperimmunoglobulin D with periodic fever (HIDS). Also called: Hyperimmunoglobulinemia D with periodic fever; Hyperimmunoglobulinemia D; HYPERIMMUNOGLOBULINEMIA D AND PERIODIC FEVER SYNDROME. Identifiers: Orphanet 343, MedGen C0398691, MONDO:0009849, OMIM 260920.
Porokeratosis 3, disseminated superficial actinic type (POROK3). Also called: POROKERATOSIS 3, MULTIPLE TYPES; POROKERATOSIS 3, MIBELLI TYPE; POROKERATOSIS, DISSEMINATED SUPERFICIAL ACTINIC, 1. Identifiers: MedGen C1867981, MONDO:0008293, OMIM 175900.

Submission:

Labcorp Genetics (formerly Invitae), Labcorp
Classification: Uncertain significance for Mevalonic aciduria; Hyperimmunoglobulin D with periodic fever; Porokeratosis 3, disseminated superficial actinic type. Last evaluated: 2019-11-14. Review status: criteria provided, single submitter. Criteria: Invitae Variant Classification Sherloc (09022015). Collection method: clinical testing. Allele origin: germline.
Comment: This variant has not been reported in the literature in individuals with MVK-related conditions. This sequence change falls in intron 7 of the MVK gene. It does not directly change the encoded amino acid sequence of the MVK protein, but it affects a nucleotide within the consensus splice site of the intron. This variant is not present in population databases (ExAC no frequency). Nucleotide substitutions within the consensus splice site are a relatively common cause of aberrant splicing (PMID: 17576681, 9536098). Algorithms developed to predict the effect of sequence changes on RNA splicing suggest that this variant may disrupt the consensus splice site, but this prediction has not been confirmed by published transcriptional studies. In summary, the available evidence is currently insufficient to determine the role of this variant in disease. Therefore, it has been classified as a Variant of Uncertain Significance.

Literature cited by the submitters: PubMed 17576681; PubMed 9536098.

NM_000431.4(MVK):c.678-3C>A

Gene: MVK (mevalonate kinase; plus strand). Cytogenetic location: 12q24.11.
Variant type: single nucleotide variant.
Coding change: c.678-3C>A on transcript NM_000431.4 (MANE Select); 3 bases into the intron before coding-DNA position 678, C replaced by A.
Molecular consequence: intron variant.
Genome position (GRCh38, 1-based): chr12:109,590,768, C>A. VCF-style: chr12-109590768-C-A. GRCh37 (hg19) VCF-style: chr12-110028573-C-A.
Other names: c.522-3C>A (NM_001301182.2); c.678-3C>A (NM_001114185.3).
Identifiers: ClinVar variation 965014 (VCV000965014.7), dbSNP rs1885632836, ClinGen allele CA1139662851.